The following is an entry in ClinVar:

NM_007175.8(ERLIN2):c.384C>T (p.Cys128=)

Gene: ERLIN2 (ER lipid raft associated 2; plus strand). Cytogenetic location: 8p11.23.
Variant type: single nucleotide variant.
Coding change: c.384C>T on transcript NM_007175.8 (MANE Select); coding-DNA position 384, C replaced by T.
Protein change: p.Cys128=; no amino-acid change (cysteine 128 retained).
Molecular consequence: synonymous variant.
Genome position (GRCh38, 1-based): chr8:37,744,656, C>T. VCF-style: chr8-37744656-C-T. GRCh37 (hg19) VCF-style: chr8-37602174-C-T.
Other names: c.384C>T, p.Cys128= (NM_001003790.4, NM_001003791.3, NM_001362878.2 and 1 more transcripts).
Identifiers: ClinVar variation 1336315 (VCV001336315.34), dbSNP rs200292614, ClinGen allele CA4710687.

ClinVar aggregate classification (germline): Conflicting classifications of pathogenicity. Review status: criteria provided, conflicting classifications (1 of 4 stars). 4 submissions from 4 submitters: Uncertain significance (3); Likely benign (1). Last evaluated 2023-11-27.

Conditions:
Spastic paraplegia. Identifiers: MedGen C0037772, HP:0001258.
Hereditary spastic paraplegia. Also called: Familial spastic paraparesis. Identifiers: Orphanet 685, MedGen C0037773, MONDO:0019064. Disease mechanism: loss of function.

Allele frequency attached by ClinVar (database versions not stated): gnomAD 0.00007 and 0.00008; TOPMed 0.00009; ESP Exome Variant Server 0.00015; gnomAD exomes 0.00003 and 0.00005; ExAC 0.00006.
gnomAD v4.1: 64 of 1,614,036 alleles (0.004%); highest among the groups gnomAD compares: Middle Eastern, 0.12%; 1 homozygote.

Submissions (4):

Labcorp Genetics (formerly Invitae), Labcorp
Classification: Likely benign for Spastic paraplegia. Last evaluated: 2023-11-27. Review status: criteria provided, single submitter. Criteria: Invitae Variant Classification Sherloc (09022015). Collection method: clinical testing. Allele origin: germline.

CeGaT Center for Human Genetics Tuebingen
Classification: Uncertain significance. Last evaluated: 2023-03-01. Review status: criteria provided, single submitter. Criteria: CeGaT Center For Human Genetics Tuebingen Variant Classification Criteria Version 2. Collection method: clinical testing. Allele origin: germline. Affected: yes. Observed: 1 variant allele.
Comment: ERLIN2: PM2:Supporting, BP4

Genome Diagnostics Laboratory, The Hospital for Sick Children
Classification: Uncertain significance for Hereditary spastic paraplegia. Last evaluated: 2021-11-05. Review status: criteria provided, single submitter. Criteria: ACMG Guidelines, 2015. Collection method: clinical testing. Allele origin: germline. Affected: yes.

Genetic Services Laboratory, University of Chicago
Classification: Uncertain significance. Last evaluated: 2017-11-03. Review status: criteria provided, single submitter. Criteria: ACMG Guidelines, 2015. Collection method: clinical testing. Allele origin: germline. Affected: no.